The following is an entry in ClinVar:

NM_000020.3(ACVRL1):c.1161G>A (p.Thr387=)

Gene: ACVRL1 (activin A receptor like type 1; plus strand). Cytogenetic location: 12q13.13.
Variant type: single nucleotide variant.
Coding change: c.1161G>A on transcript NM_000020.3 (MANE Select); coding-DNA position 1161, G replaced by A.
Protein change: p.Thr387=; no amino-acid change (threonine 387 retained).
Molecular consequence: synonymous variant.
Genome position (GRCh38, 1-based): chr12:51,916,148, G>A. VCF-style: chr12-51916148-G-A. GRCh37 (hg19) VCF-style: chr12-52309932-G-A.
Other names: c.1161G>A, p.Thr387= (NM_001077401.2).
Identifiers: ClinVar variation 79048 (VCV000079048.15), dbSNP rs150140878, ClinGen allele CA6573080.

ClinVar aggregate classification (germline): Benign/Likely benign. Review status: criteria provided, multiple submitters, no conflicts (2 of 4 stars). 3 submissions from 3 submitters: Benign (1); Likely benign (2). Last evaluated 2026-02-01.

Conditions:
Cardiovascular phenotype. Identifiers: MedGen CN230736.
Telangiectasia, hereditary hemorrhagic, type 2 (HHT2). Also called: Telangiectasia, hereditary hemorrhagic, type II; ACVRL1-Related Hereditary Hemorrhagic Telangiectasia. Identifiers: Orphanet 774, MedGen C1838163, MONDO:0010880, OMIM 600376. Disease mechanism: loss of function.

Allele frequency attached by ClinVar (database versions not stated): gnomAD 0.00003 and 0.00006; TOPMed 0.00004; ESP Exome Variant Server 0.00008; 1000 Genomes Project 30x 0.00016; gnomAD exomes 0.00016; 1000 Genomes Project 0.00020; ExAC 0.00020.
gnomAD v4.1: 116 of 1,614,186 alleles (0.0072%); highest among the groups gnomAD compares: South Asian, 0.064%; no homozygotes.

Submissions (3):

CeGaT Center for Human Genetics Tuebingen
Classification: Likely benign. Last evaluated: 2026-02-01. Review status: criteria provided, single submitter. Criteria: CeGaT Center For Human Genetics Tuebingen Variant Classification Criteria Version 2. Collection method: clinical testing. Allele origin: germline. Affected: yes. Observed: 1 variant allele.
Comment: ACVRL1: BP4, BP7

Labcorp Genetics (formerly Invitae), Labcorp
Classification: Benign for Telangiectasia, hereditary hemorrhagic, type 2. Last evaluated: 2025-11-08. Review status: criteria provided, single submitter. Criteria: Invitae Variant Classification Sherloc (09022015). Collection method: clinical testing. Allele origin: germline.

Ambry Genetics
Classification: Likely benign for Cardiovascular phenotype. Last evaluated: 2014-09-29. Review status: criteria provided, single submitter. Criteria: Ambry Variant Classification Scheme 2023. Collection method: clinical testing. Allele origin: germline.